The following is an entry in ClinVar:

NM_005535.3(IL12RB1):c.700+3A>T

Gene: IL12RB1 (interleukin 12 receptor subunit beta 1; minus strand). Cytogenetic location: 19p13.11.
Variant type: single nucleotide variant.
Coding change: c.700+3A>T on transcript NM_005535.3 (MANE Select); 3 bases into the intron after coding-DNA position 700, A replaced by T.
Molecular consequence: intron variant.
Genome position (GRCh38, 1-based): chr19:18,075,746, T>A on the plus strand (A>T on the coding strand, the complement: IL12RB1 is on the minus strand). VCF-style: chr19-18075746-T-A. GRCh37 (hg19) VCF-style: chr19-18186556-T-A.
Other names: c.820+3A>T (NM_001290024.2, NM_001440427.1, NM_001440426.1); c.700+3A>T (NM_001290023.2, NM_001440425.1, NM_001440424.1 and 1 more transcripts).
Identifiers: ClinVar variation 1011376 (VCV001011376.7), dbSNP rs781118937, ClinGen allele CA9305113.

ClinVar aggregate classification (germline): Uncertain significance. Review status: criteria provided, multiple submitters, no conflicts (2 of 4 stars). 2 submissions from 2 submitters: Uncertain significance (2). Last evaluated 2022-03-15.

Conditions:
Mendelian susceptibility to mycobacterial diseases due to complete IL12RB1 deficiency. Also called: IL12RB1 DEFICIENCY; Immunodeficiency 30. Identifiers: Orphanet 319552, MedGen C4013949, MONDO:0013955, OMIM 614891.

Allele frequency attached by ClinVar (database versions not stated): TOPMed below 0.00001; ExAC 0.00006; gnomAD exomes 0.00008; gnomAD 0.00009 and 0.00010.
gnomAD v4.1: 57 of 1,612,228 alleles (0.0035%); highest among the groups gnomAD compares: Non-Finnish European, 0.00068%; no homozygotes.

Submissions (2):

Blueprint Genetics
Classification: Uncertain significance. Last evaluated: 2022-03-15. Review status: criteria provided, single submitter. Criteria: ACMG Guidelines, 2015. Collection method: clinical testing. Allele origin: germline.

Labcorp Genetics (formerly Invitae), Labcorp
Classification: Uncertain significance for Mendelian susceptibility to mycobacterial diseases due to complete IL12RB1 deficiency. Last evaluated: 2020-03-22. Review status: criteria provided, single submitter. Criteria: Invitae Variant Classification Sherloc (09022015). Collection method: clinical testing. Allele origin: germline.
Comment: In summary, the available evidence is currently insufficient to determine the role of this variant in disease. Therefore, it has been classified as a Variant of Uncertain Significance. Nucleotide substitutions within the consensus splice site are a relatively common cause of aberrant splicing (PMID: 17576681, 9536098). Algorithms developed to predict the effect of sequence changes on RNA splicing suggest that this variant may disrupt the consensus splice site, but this prediction has not been confirmed by published transcriptional studies. This variant has not been reported in the literature in individuals with IL12RB1-related conditions. This variant is present in population databases (rs781118937, ExAC 0.08%). This sequence change falls in intron 7 of the IL12RB1 gene. It does not directly change the encoded amino acid sequence of the IL12RB1 protein, but it affects a nucleotide within the consensus splice site of the intron.

Literature cited by the submitters: PubMed 17576681 (cited by Labcorp Genetics (formerly Invitae), Labcorp); PubMed 9536098 (cited by Labcorp Genetics (formerly Invitae), Labcorp).